The following is an entry in ClinVar:

NM_005002.5(NDUFA9):c.893A>G (p.Tyr298Cys)

Gene: NDUFA9 (NADH:ubiquinone oxidoreductase subunit A9; plus strand). Cytogenetic location: 12p13.32.
Variant type: single nucleotide variant.
Coding change: c.893A>G on transcript NM_005002.5 (MANE Select); coding-DNA position 893, A replaced by G.
Protein change: p.Tyr298Cys; replaces tyrosine 298 with cysteine.
Molecular consequence: missense variant.
Genome position (GRCh38, 1-based): chr12:4,682,297, A>G. VCF-style: chr12-4682297-A-G. GRCh37 (hg19) VCF-style: chr12-4791463-A-G.
Other names: short protein forms Y298C.
Identifiers: ClinVar variation 1399770 (VCV001399770.6), dbSNP rs61754988, ClinGen allele CA6398263.
Genomic context (GRCh38, chr12:4,682,297, plus strand): 5'-AGTACATCTTTGCTGTGGCTCACAGATTGTTCCTCCCATTCCCCTTGCCGCTTTTTGCCT[A>G]TCGGTAAGTAGAGTGCTCCTTTTGTGTGACTTCTGAAAAAGCCAGCTCCACACACTTGTT-3'
Protein context (NP_004993.1, residues 288-308): FLPFPLPLFA[Tyr298Cys]RWVARVFEIS

ClinVar aggregate classification (germline): Uncertain significance (1 of 4 stars; one submission).

Allele frequency attached by ClinVar (database versions not stated): gnomAD 0.00005; TOPMed 0.00006; 1000 Genomes Project 0.00020; 1000 Genomes Project 30x 0.00031.

Submission:

Labcorp Genetics (formerly Invitae), Labcorp
Classification: Uncertain significance. Last evaluated: 2025-11-02. Review status: criteria provided, single submitter. Criteria: Invitae Variant Classification Sherloc (09022015). Collection method: clinical testing. Allele origin: germline.
Comment: This sequence change replaces tyrosine, which is neutral and polar, with cysteine, which is neutral and slightly polar, at codon 298 of the NDUFA9 protein (p.Tyr298Cys). This variant is present in population databases (rs61754988, gnomAD 0.01%). This variant has not been reported in the literature in individuals affected with NDUFA9-related conditions. ClinVar contains an entry for this variant (Variation ID: 1399770). An algorithm developed to predict the effect of missense changes on protein structure and function (PolyPhen-2) suggests that this variant is likely to be disruptive. In summary, the available evidence is currently insufficient to determine the role of this variant in disease. Therefore, it has been classified as a Variant of Uncertain Significance.